The following is an entry in ClinVar:

NM_004655.4(AXIN2):c.2372_2373del (p.His790_Phe791insTer)

Gene: AXIN2 (axin 2; minus strand). Cytogenetic location: 17q24.1.
Variant type: Deletion.
Coding change: c.2372_2373del on transcript NM_004655.4 (MANE Select); coding-DNA positions 2372 to 2373, 2 bases deleted (TT; older notation c.2372_2373delTT).
Protein change: p.His790_Phe791insTer.
Molecular consequence: nonsense.
Genome position (GRCh38, 1-based): chr17:65,533,944-65,533,945, AA deleted on the plus strand (TT on the coding strand, the reverse complement: AXIN2 is on the minus strand); deleting any 2 consecutive bases within chr17:65,533,944-65,533,946 gives the same sequence; the c. name uses the placement nearest the transcript's 3' end. VCF-style (leftmost placement, unchanged base first): chr17-65533943-TAA-T. GRCh37 (hg19) VCF-style: chr17-63530061-TAA-T.
Other names: c.2177_2178del, p.His725_Phe726insTer (NM_001363813.1).
Identifiers: ClinVar variation 4760843 (VCV004760843.1).

ClinVar aggregate classification (germline): Uncertain significance (1 of 4 stars; one submission).

Conditions:
Oligodontia-cancer predisposition syndrome. Also called: TOOTH AGENESIS-COLORECTAL CANCER SYNDROME. Identifiers: Orphanet 300576, MedGen C1837750, MONDO:0012075, OMIM 608615. Disease mechanism: loss of function.

Submission:

Labcorp Genetics (formerly Invitae), Labcorp
Classification: Uncertain significance for Oligodontia-cancer predisposition syndrome. Last evaluated: 2025-12-22. Review status: criteria provided, single submitter. Criteria: Invitae Variant Classification Sherloc (09022015). Collection method: clinical testing. Allele origin: germline.
Comment: This sequence change creates a premature translational stop signal (p.Phe791*) in the AXIN2 gene. While this is not anticipated to result in nonsense mediated decay, it is expected to disrupt the last 53 amino acid(s) of the AXIN2 protein. This variant is not present in population databases (gnomAD no frequency). This variant has not been reported in the literature in individuals affected with AXIN2-related conditions. Experimental studies and prediction algorithms are not available or were not evaluated, and the functional significance of this variant is currently unknown. In summary, the available evidence is currently insufficient to determine the role of this variant in disease. Therefore, it has been classified as a Variant of Uncertain Significance.